The following is an entry in ClinVar:

ClinVar aggregate classification (germline): Uncertain significance. Review status: criteria provided, multiple submitters, no conflicts (2 of 4 stars). 2 submissions from 2 submitters: Uncertain significance (2). Last evaluated 2025-04-01.

Conditions:
Inborn genetic diseases. Identifiers: MedGen C0950123, MeSH D030342.

Allele frequency attached by ClinVar (database versions not stated): ExAC 0.00001; gnomAD exomes 0.00001; gnomAD 0.00003 and 0.00004.
gnomAD v4.1: 93 of 1,613,820 alleles (0.0058%); highest among the groups gnomAD compares: Non-Finnish European, 0.007%; no homozygotes.

Submissions (2):

Ambry Genetics
Classification: Uncertain significance for Inborn genetic diseases. Last evaluated: 2025-04-01. Review status: criteria provided, single submitter. Criteria: Ambry Variant Classification Scheme 2023. Collection method: clinical testing. Allele origin: germline.

Labcorp Genetics (formerly Invitae), Labcorp
Classification: Uncertain significance. Last evaluated: 2021-08-28. Review status: criteria provided, single submitter. Criteria: Invitae Variant Classification Sherloc (09022015). Collection method: clinical testing. Allele origin: germline.
Comment: This sequence change replaces proline with serine at codon 825 of the ADAMTS10 protein (p.Pro825Ser). The proline residue is moderately conserved and there is a moderate physicochemical difference between proline and serine. This variant is present in population databases (rs782146436, ExAC 0.002%). This variant has not been reported in the literature in individuals affected with ADAMTS10-related conditions. Algorithms developed to predict the effect of missense changes on protein structure and function (SIFT, PolyPhen-2, Align-GVGD) all suggest that this variant is likely to be tolerated. In summary, the available evidence is currently insufficient to determine the role of this variant in disease. Therefore, it has been classified as a Variant of Uncertain Significance.

NM_030957.4(ADAMTS10):c.2473C>T (p.Pro825Ser)

Gene: ADAMTS10 (ADAM metallopeptidase with thrombospondin type 1 motif 10; minus strand). Cytogenetic location: 19p13.2.
Variant type: single nucleotide variant.
Coding change: c.2473C>T on transcript NM_030957.4 (MANE Select); coding-DNA position 2473, C replaced by T.
Protein change: p.Pro825Ser; replaces proline 825 with serine.
Molecular consequence: missense variant.
Genome position (GRCh38, 1-based): chr19:8,586,401, G>A on the plus strand (C>T on the coding strand, the complement: ADAMTS10 is on the minus strand). VCF-style: chr19-8586401-G-A. GRCh37 (hg19) VCF-style: chr19-8651285-G-A.
Other names: c.934C>T, p.Pro312Ser (NM_001282352.2); c.2473C>T (NM_030957.2); short protein forms P825S, P312S.
Identifiers: ClinVar variation 1362379 (VCV001362379.6), dbSNP rs782146436, ClinGen allele CA9160092.